The following is an entry in ClinVar:

ClinVar aggregate classification (germline): Uncertain significance (1 of 4 stars; one submission).

Conditions:
Neutral lipid storage myopathy (NLSDM). Also called: NEUTRAL LIPID STORAGE DISEASE WITHOUT ICHTHYOSIS. Identifiers: Orphanet 98908, MedGen C1853136, MONDO:0012545, OMIM 610717.

Allele frequency attached by ClinVar (database versions not stated): gnomAD exomes below 0.00001.
gnomAD v4.1: 2 of 1,609,140 alleles (0.00012%); highest among the groups gnomAD compares: Non-Finnish European, 0.00017%; no homozygotes.

Submission:

Labcorp Genetics (formerly Invitae), Labcorp
Classification: Uncertain significance for Neutral lipid storage myopathy. Last evaluated: 2018-02-13. Review status: criteria provided, single submitter. Criteria: Invitae Variant Classification Sherloc (09022015). Collection method: clinical testing. Allele origin: germline.
Comment: This sequence change falls in intron 6 of the PNPLA2 gene. It does not directly change the encoded amino acid sequence of the PNPLA2 protein, but it affects a nucleotide within the consensus splice site of the intron. This variant is not present in population databases (ExAC no frequency). In summary, the available evidence is currently insufficient to determine the role of this variant in disease. Therefore, it has been classified as a Variant of Uncertain Significance. Nucleotide substitutions within the consensus splice site are a relatively common cause of aberrant splicing (PMID: 17576681, 9536098). Algorithms developed to predict the effect of sequence changes on RNA splicing suggest that this variant may disrupt the consensus splice site, but this prediction has not been confirmed by published transcriptional studies. This variant has not been reported in the literature in individuals with PNPLA2-related disease.

Literature cited by the submitters: PubMed 17576681; PubMed 9536098.

NM_020376.4(PNPLA2):c.757+5G>A

Gene: PNPLA2 (patatin like domain 2, triacylglycerol lipase; plus strand). Cytogenetic location: 11p15.5.
Variant type: single nucleotide variant.
Coding change: c.757+5G>A on transcript NM_020376.4 (MANE Select); 5 bases into the intron after coding-DNA position 757, G replaced by A.
Molecular consequence: intron variant.
Genome position (GRCh38, 1-based): chr11:823,592, G>A. VCF-style: chr11-823592-G-A. GRCh37 (hg19) VCF-style: chr11-823592-G-A.
Identifiers: ClinVar variation 581374 (VCV000581374.6), dbSNP rs1354419356, ClinGen allele CA597022387.